The following is an entry in ClinVar:

ClinVar aggregate classification (germline): Benign (1 of 4 stars; one submission).

Allele frequency attached by ClinVar (database versions not stated): gnomAD exomes 0.02926 and 0.04280; ExAC 0.04589; gnomAD 0.06903 and 0.06998; ESP Exome Variant Server 0.07061; TOPMed 0.07496; 1000 Genomes Project 0.10164; 1000 Genomes Project 30x 0.10478.

Submission:

GeneDx
Classification: Benign. Last evaluated: 2018-06-14. Review status: criteria provided, single submitter. Criteria: GeneDx Variant Classification (06012015). Collection method: clinical testing. Allele origin: germline. Affected: yes.
Comment: This variant is considered likely benign or benign based on one or more of the following criteria: it is a conservative change, it occurs at a poorly conserved position in the protein, it is predicted to be benign by multiple in silico algorithms, and/or has population frequency not consistent with disease.

NM_015141.4(GPD1L):c.618+23del

Gene: GPD1L (glycerol-3-phosphate dehydrogenase 1 like; plus strand). Cytogenetic location: 3p22.3.
Variant type: Deletion.
Coding change: c.618+23del on transcript NM_015141.4 (MANE Select); 23 bases into the intron after coding-DNA position 618, one base deleted (A; older notation c.618+23delA).
Molecular consequence: intron variant.
Genome position (GRCh38, 1-based): chr3:32,146,757, A deleted. VCF-style (leftmost placement, unchanged base first): chr3-32146756-GA-G. GRCh37 (hg19) VCF-style: chr3-32188248-GA-G.
Other names: c.618+23delA (NM_015141.3).
Identifiers: ClinVar variation 674020 (VCV000674020.1), dbSNP rs11351972, ClinGen allele CA2296693.
Genomic context (GRCh38, chr3:32,146,756, plus strand): 5'-GATGATGCAGACACTGTTGAACTCTGTGGTGCGCTTAAGGTAAAGTCAGCCTCAGGGGAG[GA>G]GTTCATCAAGCAAGGCAAATGTTAGCATCATTGAGTCTAATCCTCAAGAATGGGCTCTGT-3'